The following is an entry in ClinVar:

NM_000132.4(F8):c.980T>C (p.Leu327Pro)

Gene: F8 (coagulation factor VIII; minus strand). Cytogenetic location: Xq28.
Variant type: single nucleotide variant.
Coding change: c.980T>C on transcript NM_000132.4 (MANE Select); coding-DNA position 980, T replaced by C.
Protein change: p.Leu327Pro; replaces leucine 327 with proline.
Molecular consequence: missense variant.
Genome position (GRCh38, 1-based): chrX:154,969,360, A>G on the plus strand (T>C on the coding strand, the complement: F8 is on the minus strand). VCF-style: chrX-154969360-A-G. GRCh37 (hg19) VCF-style: chrX-154197635-A-G.
Other names: F8, LEU308PRO; L308P; NM_000132.3(F8):c.980T>C; short protein forms L327P.
Identifiers: ClinVar variation 10199 (VCV000010199.3), dbSNP rs137852407, ClinGen allele CA255086.

ClinVar aggregate classification (germline): Likely pathogenic. Review status: reviewed by expert panel (3 of 4 stars). 2 submissions from 2 submitters: Likely pathogenic (1). 1 of the submissions does not count toward it. Last evaluated 2024-09-30.

Conditions:
Hereditary factor VIII deficiency disease (HEMA). Also called: HEMOPHILIA, CLASSIC; Hemophilia A; Hemophilia A, congenital; HEM A; Factor 8 deficiency, congenital; AUTOSOMAL HEMOPHILIA A. Identifiers: Orphanet 98878, MedGen C0019069, MONDO:0010602, OMIM 306700.

Submissions (2):

ClinGen Coagulation Factor Deficiency Variant Curation Expert Panel, Clingen
Classification: Likely pathogenic for Hereditary factor VIII deficiency disease. Last evaluated: 2024-09-30. Review status: reviewed by expert panel. Criteria: ClinGen CoagFactor ACMG Specifications F8 V1.0.0. Collection method: curation. Allele origin: germline. Inheritance: X-linked inheritance.
Comment: The c.980T>C (p.Leu327Pro) variant is absent from males in population databases (gnomAD v2.1.1/gnomAD v3). The variant has been reported in two probands with severe hemophilia A meeting phenotypic criteria for F8 in PMID: 8644728 and 26897466. This missense variant has a REVEL score of 0.926 (>0.6). A pathogenic variant, Leu327Val, is reported at the same residue meeting PM5. In summary, based on the evidence available at this time, the clinical significance of this variant is likely pathogenic. ACMG/AMP criteria applied, as specified by the Coagulation Factor Deficiency Variant Curation Expert Panel for F8: PP3, PS4_Moderate, PM2_Supporting, PM5.

OMIM
Classification: Pathogenic for HEMOPHILIA A. Last evaluated: 1995-01-01. Review status: no assertion criteria provided. Collection method: literature only. Allele origin: germline. Not counted in ClinVar's aggregate classification.

Literature cited by the submitters: PubMed 7728145 (cited by OMIM).